The following is an entry in ClinVar:

ClinVar aggregate classification (germline): Benign/Likely benign. Review status: criteria provided, multiple submitters, no conflicts (2 of 4 stars). 3 submissions from 3 submitters: Benign (1); Likely benign (2). Last evaluated 2024-04-22.

Conditions:
Familial adenomatous polyposis 1 (FAP1). Also called: FAMILIAL ADENOMATOUS POLYPOSIS 1, ATTENUATED; POLYPOSIS, ADENOMATOUS INTESTINAL. Identifiers: MedGen C2713442, MONDO:0021056, OMIM 175100. Disease mechanism: loss of function.
Hereditary cancer-predisposing syndrome. Also called: Tumor predisposition; Hereditary Cancer Syndrome; Hereditary neoplastic syndrome; Neoplastic Syndromes, Hereditary. Identifiers: Orphanet 140162, MedGen C0027672, MeSH D009386, MONDO:0015356.

Submissions (3):

Labcorp Genetics (formerly Invitae), Labcorp
Classification: Likely benign for Familial adenomatous polyposis 1. Last evaluated: 2024-04-22. Review status: criteria provided, single submitter. Criteria: Invitae Variant Classification Sherloc (09022015). Collection method: clinical testing. Allele origin: germline.

Myriad Genetics, Inc.
Classification: Benign for Familial adenomatous polyposis 1. Last evaluated: 2024-02-22. Review status: criteria provided, single submitter. Criteria: Myriad Autosomal Dominant, Autosomal Recessive and X-Linked Classification Criteria (2023). Collection method: clinical testing. Allele origin: unknown.
Comment: This variant is considered benign. This variant is a silent/synonymous amino acid change and it is not expected to impact splicing.

Ambry Genetics
Classification: Likely benign for Hereditary cancer-predisposing syndrome. Last evaluated: 2019-11-20. Review status: criteria provided, single submitter. Criteria: Ambry Variant Classification Scheme 2023. Collection method: clinical testing. Allele origin: germline.

NM_000038.6(APC):c.264G>A (p.Arg88=)

Gene: APC (APC regulator of Wnt signaling pathway; plus strand). Cytogenetic location: 5q22.2.
Variant type: single nucleotide variant.
Coding change: c.264G>A on transcript NM_000038.6 (MANE Select); coding-DNA position 264, G replaced by A.
Protein change: p.Arg88=; no amino-acid change (arginine 88 retained).
Molecular consequence: synonymous variant. On other transcripts: 5 prime UTR variant (1).
Genome position (GRCh38, 1-based): chr5:112,767,232, G>A. VCF-style: chr5-112767232-G-A. GRCh37 (hg19) VCF-style: chr5-112102929-G-A.
Other names: c.264G>A, p.Arg88= (NM_001127510.3, NM_001354895.2, NM_001354896.2 and 2 more transcripts); c.294G>A, p.Arg98= (NM_001127511.3, NM_001354897.2, NM_001354902.2); c.189G>A, p.Arg63= (NM_001354898.2, NM_001354904.2); c.87G>A, p.Arg29= (NM_001354900.2, NM_001354901.2, NM_001354905.2); c.-772G>A (NM_001354906.2).
Identifiers: ClinVar variation 537619 (VCV000537619.14), dbSNP rs1554069706, ClinGen allele CA445753164.
Genomic context (GRCh38, chr5:112,767,232, plus strand): 5'-GTTTCTATTTTATTTAGAGCTTAACTTAGATAGCAGTAATTTCCCTGGAGTAAAACTGCG[G>A]TCAAAAATGTCCCTCCGTTCTTATGGAAGCCGGGAAGGATCTGTATCAAGCCGTTCTGGA-3'
Protein context (NP_000029.2, residues 78-98): DSSNFPGVKL[Arg88=]SKMSLRSYGS